The following is an entry in ClinVar:

NM_000541.5(SAG):c.728C>T (p.Ala243Val)

Gene: SAG (S-antigen visual arrestin; plus strand). Cytogenetic location: 2q37.1.
Variant type: single nucleotide variant.
Coding change: c.728C>T on transcript NM_000541.5 (MANE Select); coding-DNA position 728, C replaced by T.
Protein change: p.Ala243Val; replaces alanine 243 with valine.
Molecular consequence: missense variant.
Genome position (GRCh38, 1-based): chr2:233,329,572, C>T. VCF-style: chr2-233329572-C-T. GRCh37 (hg19) VCF-style: chr2-234238218-C-T.
Other names: short protein forms A243V.
Identifiers: ClinVar variation 1525662 (VCV001525662.8), dbSNP rs373814456, ClinGen allele CA2174498.

ClinVar aggregate classification (germline): Conflicting classifications of pathogenicity. Review status: criteria provided, conflicting classifications (1 of 4 stars). 2 submissions from 2 submitters: Uncertain significance (1); Likely benign (1). Last evaluated 2024-05-23.

Allele frequency attached by ClinVar (database versions not stated): gnomAD exomes 0.00001 and 0.00004; ExAC 0.00007; gnomAD 0.00014 and 0.00015; TOPMed 0.00017; ESP Exome Variant Server 0.00033.
gnomAD v4.1: 31 of 1,603,940 alleles (0.0019%); highest among the groups gnomAD compares: African/African-American, 0.04%; no homozygotes.

Submissions (2):

Blueprint Genetics
Classification: Likely benign. Last evaluated: 2024-05-23. Review status: criteria provided, single submitter. Criteria: ACMG Guidelines, 2015. Collection method: clinical testing. Allele origin: germline.

Labcorp Genetics (formerly Invitae), Labcorp
Classification: Uncertain significance. Last evaluated: 2022-03-17. Review status: criteria provided, single submitter. Criteria: Invitae Variant Classification Sherloc (09022015). Collection method: clinical testing. Allele origin: germline.
Comment: In summary, the available evidence is currently insufficient to determine the role of this variant in disease. Therefore, it has been classified as a Variant of Uncertain Significance. Algorithms developed to predict the effect of missense changes on protein structure and function output the following: SIFT: "Tolerated"; PolyPhen-2: "Benign"; Align-GVGD: "Class C0". The valine amino acid residue is found in multiple mammalian species, which suggests that this missense change does not adversely affect protein function. This variant has not been reported in the literature in individuals affected with SAG-related conditions. This variant is present in population databases (rs373814456, gnomAD 0.05%). This sequence change replaces alanine, which is neutral and non-polar, with valine, which is neutral and non-polar, at codon 243 of the SAG protein (p.Ala243Val).